The following is an entry in ClinVar:

NM_001378452.1(ITPR1):c.6337G>A (p.Asp2113Asn)

Gene: ITPR1 (inositol 1,4,5-trisphosphate receptor type 1; plus strand). Cytogenetic location: 3p26.1.
Variant type: single nucleotide variant.
Coding change: c.6337G>A on transcript NM_001378452.1 (MANE Select); coding-DNA position 6337, G replaced by A.
Protein change: p.Asp2113Asn; replaces aspartic acid 2113 with asparagine.
Molecular consequence: missense variant.
Genome position (GRCh38, 1-based): chr3:4,779,595, G>A. VCF-style: chr3-4779595-G-A. GRCh37 (hg19) VCF-style: chr3-4821279-G-A.
Other names: c.6148G>A (NM_002222.5); c.6193G>A, p.Asp2065Asn (NM_001099952.4); c.6292G>A, p.Asp2098Asn (NM_001168272.2); c.6148G>A, p.Asp2050Asn (NM_002222.7); short protein forms D2050N, D2065N, D2098N, D2113N.
Identifiers: ClinVar variation 2637458 (VCV002637458.5), dbSNP rs2470075088, ClinGen allele CA351638330.

ClinVar aggregate classification (germline): Uncertain significance. Review status: criteria provided, multiple submitters, no conflicts (2 of 4 stars). 3 submissions from 3 submitters: Uncertain significance (3). Last evaluated 2025-03-13.

gnomAD v4.1: 1 of 1,612,674 alleles (0.000062%); highest among the groups gnomAD compares: Non-Finnish European, 0.000085%; no homozygotes.

Submissions (3):

GeneDx
Classification: Uncertain significance. Last evaluated: 2025-03-13. Review status: criteria provided, single submitter. Criteria: GeneDx Variant Classification Process June 2021. Collection method: clinical testing. Allele origin: germline. Affected: yes.
Comment: Not observed at significant frequency in large population cohorts (gnomAD); In silico analysis supports that this missense variant has a deleterious effect on protein structure/function; Has not been previously published as pathogenic or benign to our knowledge

Labcorp Genetics (formerly Invitae), Labcorp
Classification: Uncertain significance. Last evaluated: 2024-05-15. Review status: criteria provided, single submitter. Criteria: Invitae Variant Classification Sherloc (09022015). Collection method: clinical testing. Allele origin: germline.
Comment: This sequence change replaces aspartic acid, which is acidic and polar, with asparagine, which is neutral and polar, at codon 2050 of the ITPR1 protein (p.Asp2050Asn). This variant is not present in population databases (gnomAD no frequency). This variant has not been reported in the literature in individuals affected with ITPR1-related conditions. ClinVar contains an entry for this variant (Variation ID: 2637458). Advanced modeling of protein sequence and biophysical properties (such as structural, functional, and spatial information, amino acid conservation, physicochemical variation, residue mobility, and thermodynamic stability) has been performed at Invitae for this missense variant, however the output from this modeling did not meet the statistical confidence thresholds required to predict the impact of this variant on ITPR1 protein function. In summary, the available evidence is currently insufficient to determine the role of this variant in disease. Therefore, it has been classified as a Variant of Uncertain Significance.

Women's Health and Genetics/Laboratory Corporation of America, LabCorp
Classification: Uncertain significance. Last evaluated: 2023-10-25. Review status: criteria provided, single submitter. Criteria: LabCorp Variant Classification Summary - May 2015. Collection method: clinical testing. Allele origin: germline.
Comment: Variant summary: ITPR1 c.6148G>A (p.Asp2050Asn) results in a conservative amino acid change located in the RyR/IP3R homology associated domain (IPR013662) of the encoded protein sequence. Four of five in-silico tools predict a damaging effect of the variant on protein function. The variant was absent in 249134 control chromosomes (gnomAD). The available data on variant occurrences in the general population are insufficient to allow any conclusion about variant significance. To our knowledge, no occurrence of c.6148G>A in individuals affected with Spinocerebellar Ataxia 29 and no experimental evidence demonstrating its impact on protein function have been reported. No submitters have cited clinical-significance assessments for this variant to ClinVar after 2014. Based on the evidence outlined above, the variant was classified as uncertain significance.